The following is an entry in ClinVar:

ClinVar aggregate classification (germline): Likely benign (1 of 4 stars; one submission).

gnomAD v4.1: 242 of 1,604,916 alleles (0.015%); highest among the groups gnomAD compares: Admixed American, 0.044%; no homozygotes.

Submission:

CeGaT Center for Human Genetics Tuebingen
Classification: Likely benign. Last evaluated: 2024-08-01. Review status: criteria provided, single submitter. Criteria: CeGaT Center For Human Genetics Tuebingen Variant Classification Criteria Version 2. Collection method: clinical testing. Allele origin: germline. Affected: yes. Observed: 1 variant allele.
Comment: MUC5B: BP4, BP7

NM_002458.3(MUC5B):c.12198G>T (p.Leu4066=)

Genes: MUC5B (mucin 5B, oligomeric mucus/gel-forming; plus strand), MUC5B-AS1 (MUC5B antisense RNA 1; minus strand). Cytogenetic location: 11p15.5.
Variant type: single nucleotide variant.
Coding change: c.12198G>T on transcript NM_002458.3 (MANE Select); coding-DNA position 12198, G replaced by T.
Protein change: p.Leu4066=; no amino-acid change (leucine 4066 retained).
Molecular consequence: synonymous variant.
Genome position (GRCh38, 1-based): chr11:1,249,078, G>T. VCF-style: chr11-1249078-G-T. GRCh37 (hg19) VCF-style: chr11-1270308-G-T.
Identifiers: ClinVar variation 3341767 (VCV003341767.16).